The following is an entry in ClinVar:

NM_003640.5(ELP1):c.3072_3073del (p.Cys1025fs)

Gene: ELP1 (elongator acetyltransferase complex subunit 1; minus strand). Cytogenetic location: 9q31.3.
Variant type: Deletion.
Coding change: c.3072_3073del on transcript NM_003640.5 (MANE Select); coding-DNA positions 3072 to 3073, 2 bases deleted (AT; older notation c.3072_3073delAT).
Protein change: p.Cys1025fs; shifts the reading frame from cysteine 1025.
Molecular consequence: frameshift variant.
Genome position (GRCh38, 1-based): chr9:108,891,290-108,891,291, AT deleted on the plus strand (AT on the coding strand, the reverse complement: ELP1 is on the minus strand). VCF-style (leftmost placement, unchanged base first): chr9-108891289-CAT-C. GRCh37 (hg19) VCF-style: chr9-111653569-CAT-C.
Other names: c.2730_2731del, p.Cys911fs (NM_001318360.2); c.2025_2026del, p.Cys676fs (NM_001330749.2); short protein forms C1025fs, C911fs, C676fs.
Identifiers: ClinVar variation 3667543 (VCV003667543.2).

ClinVar aggregate classification (germline): Pathogenic (1 of 4 stars; one submission).

Submission:

Labcorp Genetics (formerly Invitae), Labcorp
Classification: Pathogenic. Last evaluated: 2024-02-06. Review status: criteria provided, single submitter. Criteria: Invitae Variant Classification Sherloc (09022015). Collection method: clinical testing. Allele origin: germline.
Comment: This sequence change creates a premature translational stop signal (p.Cys1025Trpfs*14) in the ELP1 gene. It is expected to result in an absent or disrupted protein product. Loss-of-function variants in ELP1 are known to be pathogenic (PMID: 18303054, 24173031). This variant is not present in population databases (gnomAD no frequency). This variant has not been reported in the literature in individuals affected with ELP1-related conditions. For these reasons, this variant has been classified as Pathogenic.

Literature cited by the submitters: PubMed 18303054; PubMed 24173031.